The following is an entry in ClinVar:

ClinVar aggregate classification (germline): Uncertain significance (1 of 4 stars; one submission).

Submission:

Ambry Genetics
Classification: Uncertain significance. Last evaluated: 2021-12-27. Review status: criteria provided, single submitter. Criteria: Ambry Variant Classification Scheme 2023. Collection method: clinical testing. Allele origin: germline.
Comment: The p.P981L variant (also known as c.2942C>T), located in coding exon 23 of the BUB1 gene, results from a C to T substitution at nucleotide position 2942. The proline at codon 981 is replaced by leucine, an amino acid with similar properties. This amino acid position is conserved. In addition, the in silico prediction for this alteration is inconclusive. Since supporting evidence is limited at this time, the clinical significance of this alteration remains unclear.

NM_004336.5(BUB1):c.2942C>T (p.Pro981Leu)

Gene: BUB1 (BUB1 mitotic checkpoint serine/threonine kinase; minus strand). Cytogenetic location: 2q13.
Variant type: single nucleotide variant.
Coding change: c.2942C>T on transcript NM_004336.5 (MANE Select); coding-DNA position 2942, C replaced by T.
Protein change: p.Pro981Leu; replaces proline 981 with leucine.
Molecular consequence: missense variant.
Genome position (GRCh38, 1-based): chr2:110,641,047, G>A on the plus strand (C>T on the coding strand, the complement: BUB1 is on the minus strand). VCF-style: chr2-110641047-G-A. GRCh37 (hg19) VCF-style: chr2-111398624-G-A.
Other names: c.2882C>T, p.Pro961Leu (NM_001278616.2); c.2771C>T, p.Pro924Leu (NM_001278617.2); short protein forms P981L, P924L, P961L.
Identifiers: ClinVar variation 1797932 (VCV001797932.2), dbSNP rs2467970010, ClinGen allele CA348088949.